The following is an entry in ClinVar:

ClinVar aggregate classification (germline): Benign/Likely benign. Review status: criteria provided, multiple submitters, no conflicts (2 of 4 stars). 4 submissions from 4 submitters: Benign (2); Likely benign (2). Last evaluated 2026-04-01.

Allele frequency attached by ClinVar (database versions not stated): 1000 Genomes Project 30x 0.00031; 1000 Genomes Project 0.00040; gnomAD exomes 0.00087 and 0.00088; gnomAD 0.00091 and 0.00095; ESP Exome Variant Server 0.00092; ExAC 0.00095.
gnomAD v4.1: 1,419 of 1,599,088 alleles (0.089%); highest among the groups gnomAD compares: Middle Eastern, 0.1%; 2 homozygotes.

Submissions (4):

CeGaT Center for Human Genetics Tuebingen
Classification: Likely benign. Last evaluated: 2026-04-01. Review status: criteria provided, single submitter. Criteria: CeGaT Center For Human Genetics Tuebingen Variant Classification Criteria Version 2. Collection method: clinical testing. Allele origin: germline. Affected: yes. Observed: 6 variant alleles.
Comment: RERE: BS2

Labcorp Genetics (formerly Invitae), Labcorp
Classification: Benign. Last evaluated: 2025-12-17. Review status: criteria provided, single submitter. Criteria: Invitae Variant Classification Sherloc (09022015). Collection method: clinical testing. Allele origin: germline.

Blueprint Genetics
Classification: Likely benign. Last evaluated: 2024-11-21. Review status: criteria provided, single submitter. Criteria: ACMG Guidelines, 2015. Collection method: clinical testing. Allele origin: germline.

Breakthrough Genomics
Classification: Benign. Review status: criteria provided, single submitter. Criteria: ACMG Guidelines, 2015. Collection method: not provided. Allele origin: germline. Inheritance: Autosomal dominant inheritance. Affected: yes.

NM_001042681.2(RERE):c.4515G>T (p.Gly1505=)

Gene: RERE (arginine-glutamic acid dipeptide repeats; minus strand). Cytogenetic location: 1p36.23.
Variant type: single nucleotide variant.
Coding change: c.4515G>T on transcript NM_001042681.2 (MANE Select); coding-DNA position 4515, G replaced by T.
Protein change: p.Gly1505=; no amino-acid change (glycine 1505 retained).
Molecular consequence: synonymous variant.
Genome position (GRCh38, 1-based): chr1:8,355,571, C>A on the plus strand (G>T on the coding strand, the complement: RERE is on the minus strand). VCF-style: chr1-8355571-C-A. GRCh37 (hg19) VCF-style: chr1-8415631-C-A.
Other names: c.2853G>T, p.Gly951= (NM_001042682.2); c.4515G>T, p.Gly1505= (NM_012102.4).
Identifiers: ClinVar variation 1600804 (VCV001600804.34), dbSNP rs143882788, ClinGen allele CA570755.